The following is an entry in ClinVar:

ClinVar aggregate classification (germline): Uncertain significance (1 of 4 stars; one submission).

Conditions:
Catecholaminergic polymorphic ventricular tachycardia 1. Also called: VENTRICULAR TACHYCARDIA, STRESS-INDUCED POLYMORPHIC 1; VENTRICULAR TACHYCARDIA, CATECHOLAMINERGIC POLYMORPHIC, 1, WITH OR WITHOUT ATRIAL DYSFUNCTION AND/OR DILATED CARDIOMYOPATHY; RYR2-Related Catecholaminergic Polymorphic Ventricular Tachycardia. Identifiers: Orphanet 3286, MedGen C1631597, MONDO:0011484, OMIM 604772.

gnomAD v4.1: 2 of 1,613,704 alleles (0.00012%); highest among the groups gnomAD compares: African/African-American, 0.0027%; no homozygotes.

Submission:

Labcorp Genetics (formerly Invitae), Labcorp
Classification: Uncertain significance for Catecholaminergic polymorphic ventricular tachycardia 1. Last evaluated: 2025-12-23. Review status: criteria provided, single submitter. Criteria: Invitae Variant Classification Sherloc (09022015). Collection method: clinical testing. Allele origin: germline.
Comment: This sequence change falls in intron 48 of the RYR2 gene. It does not directly change the encoded amino acid sequence of the RYR2 protein. It affects a nucleotide within the consensus splice site. This variant is not present in population databases (gnomAD no frequency). This variant has not been reported in the literature in individuals affected with RYR2-related conditions. Variants that disrupt the consensus splice site are a relatively common cause of aberrant splicing (PMID: 17576681, 9536098). Algorithms developed to predict the effect of sequence changes on RNA splicing suggest that this variant is not likely to affect RNA splicing. In summary, the available evidence is currently insufficient to determine the role of this variant in disease. Therefore, it has been classified as a Variant of Uncertain Significance.

Literature cited by the submitters: PubMed 17576681; PubMed 9536098.

NM_001035.3(RYR2):c.7342+3A>G

Gene: RYR2 (ryanodine receptor 2; plus strand). Cytogenetic location: 1q43.
Variant type: single nucleotide variant.
Coding change: c.7342+3A>G on transcript NM_001035.3 (MANE Select); 3 bases into the intron after coding-DNA position 7342, A replaced by G.
Molecular consequence: intron variant.
Genome position (GRCh38, 1-based): chr1:237,643,450, A>G. VCF-style: chr1-237643450-A-G. GRCh37 (hg19) VCF-style: chr1-237806750-A-G.
Identifiers: ClinVar variation 4806702 (VCV004806702.1).